The following is an entry in ClinVar:

NM_000032.5(ALAS2):c.982G>C (p.Glu328Gln)

Gene: ALAS2 (5'-aminolevulinate synthase 2; minus strand). Cytogenetic location: Xp11.21.
Variant type: single nucleotide variant.
Coding change: c.982G>C on transcript NM_000032.5 (MANE Select); coding-DNA position 982, G replaced by C.
Protein change: p.Glu328Gln; replaces glutamic acid 328 with glutamine.
Molecular consequence: missense variant.
Genome position (GRCh38, 1-based): chrX:55,017,507, C>G on the plus strand (G>C on the coding strand, the complement: ALAS2 is on the minus strand). VCF-style: chrX-55017507-C-G. GRCh37 (hg19) VCF-style: chrX-55043940-C-G.
Other names: c.871G>C, p.Glu291Gln (NM_001037967.4); c.943G>C, p.Glu315Gln (NM_001037968.4); short protein forms E315Q, E328Q, E291Q.
Identifiers: ClinVar variation 3001582 (VCV003001582.3), dbSNP rs748347802, ClinGen allele CA10428360.

ClinVar aggregate classification (germline): Uncertain significance (1 of 4 stars; one submission).

Allele frequency attached by ClinVar (database versions not stated): ExAC 0.00001; gnomAD exomes 0.00003.
gnomAD v4.1: 31 of 1,210,796 alleles (0.0026%); highest among the groups gnomAD compares: Non-Finnish European, 0.0035%; no homozygotes.

Submission:

Labcorp Genetics (formerly Invitae), Labcorp
Classification: Uncertain significance. Last evaluated: 2022-11-23. Review status: criteria provided, single submitter. Criteria: Invitae Variant Classification Sherloc (09022015). Collection method: clinical testing. Allele origin: germline.
Comment: In summary, the available evidence is currently insufficient to determine the role of this variant in disease. Therefore, it has been classified as a Variant of Uncertain Significance. Algorithms developed to predict the effect of missense changes on protein structure and function (SIFT, PolyPhen-2, Align-GVGD) all suggest that this variant is likely to be disruptive. This variant has not been reported in the literature in individuals affected with ALAS2-related conditions. This variant is present in population databases (rs748347802, gnomAD 0.001%). This sequence change replaces glutamic acid, which is acidic and polar, with glutamine, which is neutral and polar, at codon 328 of the ALAS2 protein (p.Glu328Gln).